The following is an entry in ClinVar:

ClinVar aggregate classification (germline): Uncertain significance. Review status: criteria provided, multiple submitters, no conflicts (2 of 4 stars). 2 submissions from 2 submitters: Uncertain significance (2). Last evaluated 2024-03-30.

Conditions:
Inborn genetic diseases. Identifiers: MedGen C0950123, MeSH D030342.

Allele frequency attached by ClinVar (database versions not stated): gnomAD 0.00001.
gnomAD v4.1: 5 of 1,614,066 alleles (0.00031%); highest among the groups gnomAD compares: African/African-American, 0.0013%; no homozygotes.

Submissions (2):

Labcorp Genetics (formerly Invitae), Labcorp
Classification: Uncertain significance. Last evaluated: 2024-03-30. Review status: criteria provided, single submitter. Criteria: Invitae Variant Classification Sherloc (09022015). Collection method: clinical testing. Allele origin: germline.
Comment: This sequence change replaces arginine, which is basic and polar, with cysteine, which is neutral and slightly polar, at codon 980 of the PRPF8 protein (p.Arg980Cys). This variant is not present in population databases (gnomAD no frequency). This variant has not been reported in the literature in individuals affected with PRPF8-related conditions. ClinVar contains an entry for this variant (Variation ID: 1025988). Advanced modeling of protein sequence and biophysical properties (such as structural, functional, and spatial information, amino acid conservation, physicochemical variation, residue mobility, and thermodynamic stability) performed at Invitae indicates that this missense variant is not expected to disrupt PRPF8 protein function with a negative predictive value of 80%. In summary, the available evidence is currently insufficient to determine the role of this variant in disease. Therefore, it has been classified as a Variant of Uncertain Significance.

Ambry Genetics
Classification: Uncertain significance for Inborn genetic diseases. Last evaluated: 2023-12-08. Review status: criteria provided, single submitter. Criteria: Ambry Variant Classification Scheme 2023. Collection method: clinical testing. Allele origin: germline.

NM_006445.4(PRPF8):c.2938C>T (p.Arg980Cys)

Gene: PRPF8 (pre-mRNA processing factor 8; minus strand). Cytogenetic location: 17p13.3.
Variant type: single nucleotide variant.
Coding change: c.2938C>T on transcript NM_006445.4 (MANE Select); coding-DNA position 2938, C replaced by T.
Protein change: p.Arg980Cys; replaces arginine 980 with cysteine.
Molecular consequence: missense variant.
Genome position (GRCh38, 1-based): chr17:1,675,274, G>A on the plus strand (C>T on the coding strand, the complement: PRPF8 is on the minus strand). VCF-style: chr17-1675274-G-A. GRCh37 (hg19) VCF-style: chr17-1578568-G-A.
Other names: c.2938C>T (NM_006445.3); short protein forms R980C.
Identifiers: ClinVar variation 1025988 (VCV001025988.6), dbSNP rs781594036, ClinGen allele CA397544727.
Genomic context (GRCh38, chr17:1,675,274, plus strand): 5'-TGAGGCGCAGCAGCCTGTTGAGCAGAGTCAAGTCGATCTTCTCATACATCTTCTCAAAGC[G>A]GGATTCCAGCATGACATTGCACTCGCCTTCACTCGTCTCCCACACGTCCTGCAGGTTATT-3'
Protein context (NP_006436.3, residues 970-990): EGECNVMLES[Arg980Cys]FEKMYEKIDL